The following is an entry in ClinVar:

NM_152703.5(SAMD9L):c.3076A>C (p.Ile1026Leu)

Gene: SAMD9L (sterile alpha motif domain containing 9 like; minus strand). Cytogenetic location: 7q21.2.
Variant type: single nucleotide variant.
Coding change: c.3076A>C on transcript NM_152703.5 (MANE Select); coding-DNA position 3076, A replaced by C.
Protein change: p.Ile1026Leu; replaces isoleucine 1026 with leucine.
Molecular consequence: missense variant.
Genome position (GRCh38, 1-based): chr7:93,132,896, T>G on the plus strand (A>C on the coding strand, the complement: SAMD9L is on the minus strand). VCF-style: chr7-93132896-T-G. GRCh37 (hg19) VCF-style: chr7-92762209-T-G.
Other names: c.3076A>C, p.Ile1026Leu (NM_001303496.3, NM_001303497.3, NM_001303498.3 and 5 more transcripts); short protein forms I1026L.
Identifiers: ClinVar variation 3437137 (VCV003437137.4).

ClinVar aggregate classification (germline): Uncertain significance. Review status: criteria provided, multiple submitters, no conflicts (2 of 4 stars). 3 submissions from 3 submitters: Uncertain significance (3). Last evaluated 2025-12-23.

Conditions:
Inborn genetic diseases. Identifiers: MedGen C0950123, MeSH D030342.

gnomAD v4.1: 15 of 1,613,604 alleles (0.00093%); highest among the groups gnomAD compares: Non-Finnish European, 0.0013%; no homozygotes.

Submissions (3):

Women's Health and Genetics/Laboratory Corporation of America, LabCorp
Classification: Uncertain significance. Last evaluated: 2025-12-23. Review status: criteria provided, single submitter. Criteria: LabCorp Variant Classification Summary - May 2015. Collection method: clinical testing. Allele origin: germline.
Comment: Variant summary: SAMD9L c.3076A>C (p.Ile1026Leu) results in a conservative amino acid change in the encoded protein sequence. Algorithms developed to predict the effect of missense changes on protein structure and function all suggest that this variant is likely to be tolerated. The variant was absent in 249786 control chromosomes. The available data on variant occurrences in the general population are insufficient to allow any conclusion about variant significance. To our knowledge, no occurrence of c.3076A>C in individuals affected with SAMD9L-related conditions and no experimental evidence demonstrating its impact on protein function have been reported. ClinVar contains an entry for this variant (Variation ID: 3437137). Based on the evidence outlined above, the variant was classified as uncertain significance.

Ambry Genetics
Classification: Uncertain significance for Inborn genetic diseases. Last evaluated: 2024-10-05. Review status: criteria provided, single submitter. Criteria: Ambry Variant Classification Scheme 2023. Collection method: clinical testing. Allele origin: germline.
Comment: The p.I1026L variant (also known as c.3076A>C), located in coding exon 1 of the SAMD9L gene, results from an A to C substitution at nucleotide position 3076. The isoleucine at codon 1026 is replaced by leucine, an amino acid with highly similar properties. This amino acid position is conserved. In addition, this alteration is predicted to be tolerated by in silico analysis. Based on the available evidence, the clinical significance of this variant remains unclear.

Labcorp Genetics (formerly Invitae), Labcorp
Classification: Uncertain significance. Last evaluated: 2024-03-23. Review status: criteria provided, single submitter. Criteria: Invitae Variant Classification Sherloc (09022015). Collection method: clinical testing. Allele origin: germline.
Comment: This sequence change replaces isoleucine, which is neutral and non-polar, with leucine, which is neutral and non-polar, at codon 1026 of the SAMD9L protein (p.Ile1026Leu). This variant is present in population databases (rs760312321, gnomAD 0.0009%). This variant has not been reported in the literature in individuals affected with SAMD9L-related conditions. Advanced modeling of protein sequence and biophysical properties (such as structural, functional, and spatial information, amino acid conservation, physicochemical variation, residue mobility, and thermodynamic stability) performed at Invitae indicates that this missense variant is not expected to disrupt SAMD9L protein function with a negative predictive value of 80%. In summary, the available evidence is currently insufficient to determine the role of this variant in disease. Therefore, it has been classified as a Variant of Uncertain Significance.